The following is an entry in ClinVar:

ClinVar aggregate classification (germline): Likely benign. Review status: criteria provided, multiple submitters, no conflicts (2 of 4 stars). 2 submissions from 2 submitters: Likely benign (2). Last evaluated 2025-06-01.

Conditions:
Inborn genetic diseases. Identifiers: MedGen C0950123, MeSH D030342.

Allele frequency attached by ClinVar (database versions not stated): gnomAD 0.00011; gnomAD exomes 0.00012; ExAC 0.00014; TOPMed 0.00015.

Submissions (2):

CeGaT Center for Human Genetics Tuebingen
Classification: Likely benign. Last evaluated: 2025-06-01. Review status: criteria provided, single submitter. Criteria: CeGaT Center For Human Genetics Tuebingen Variant Classification Criteria Version 2. Collection method: clinical testing. Allele origin: germline. Affected: yes. Observed: 1 variant allele.
Comment: DHX30: BS2

Ambry Genetics
Classification: Likely benign for Inborn genetic diseases. Last evaluated: 2021-10-21. Review status: criteria provided, single submitter. Criteria: Ambry Variant Classification Scheme 2023. Collection method: clinical testing. Allele origin: germline.

NM_138615.3(DHX30):c.1805A>T (p.Tyr602Phe)

Gene: DHX30 (DExH-box helicase 30; plus strand). Cytogenetic location: 3p21.31.
Variant type: single nucleotide variant.
Coding change: c.1805A>T on transcript NM_138615.3 (MANE Select); coding-DNA position 1805, A replaced by T.
Protein change: p.Tyr602Phe; replaces tyrosine 602 with phenylalanine.
Molecular consequence: missense variant.
Genome position (GRCh38, 1-based): chr3:47,846,877, A>T. VCF-style: chr3-47846877-A-T. GRCh37 (hg19) VCF-style: chr3-47888367-A-T.
Other names: c.1721A>T, p.Tyr574Phe (NM_001330990.2); c.1688A>T, p.Tyr563Phe (NM_014966.4); short protein forms Y563F, Y602F, Y574F.
Identifiers: ClinVar variation 3082183 (VCV003082183.9), dbSNP rs142696117, ClinGen allele CA2369967.